The following is an entry in ClinVar:

ClinVar aggregate classification (germline): Benign/Likely benign. Review status: criteria provided, multiple submitters, no conflicts (2 of 4 stars). 30 submissions from 30 submitters: Benign (15); Likely benign (5). 10 of the submissions do not count toward it. Last evaluated 2026-09-01.

Conditions:
APC-Associated Polyposis Disorders.
Hereditary cancer-predisposing syndrome. Also called: Neoplastic Syndromes, Hereditary; Tumor predisposition; Hereditary neoplastic syndrome; Hereditary Cancer Syndrome. Identifiers: Orphanet 140162, MedGen C0027672, MeSH D009386, MONDO:0015356.
Familial multiple polyposis syndrome (FAP). Also called: Familial Adenomatous Polyposis (FAP); Familial intestinal polyposis; Familial polyposis; Familial adenomatous polyposis; Classic familial adenomatous polyposis. Identifiers: Orphanet 733, MedGen C0032580, MONDO:0021055. Disease mechanism: loss of function.
Familial adenomatous polyposis 1 (FAP1). Also called: POLYPOSIS, ADENOMATOUS INTESTINAL; FAMILIAL ADENOMATOUS POLYPOSIS 1, ATTENUATED. Identifiers: MedGen C2713442, MONDO:0021056, OMIM 175100. Disease mechanism: loss of function.
Carcinoma of colon (CRC). Also called: Colonic carcinoma; Colon carcinoma. Identifiers: MedGen C0699790, MONDO:0002032.

Allele frequency attached by ClinVar (database versions not stated): ESP Exome Variant Server 0.00315; gnomAD exomes 0.00412 and 0.00504; ExAC 0.00450; gnomAD 0.00554 and 0.00583; 1000 Genomes Project 30x 0.00094; 1000 Genomes Project 0.00120; TOPMed 0.00245.
gnomAD v4.1: 6,805 of 1,610,582 alleles (0.42%); highest among the groups gnomAD compares: Non-Finnish European, 0.37%; 31 homozygotes.

Submissions (30):

CeGaT Center for Human Genetics Tuebingen
Classification: Likely benign. Last evaluated: 2026-09-01. Review status: criteria provided, single submitter. Criteria: CeGaT Center For Human Genetics Tuebingen Variant Classification Criteria Version 2. Collection method: clinical testing. Allele origin: germline. Affected: yes. Observed: 64 variant alleles.
Comment: APC: BP4, BS1

Labcorp Genetics (formerly Invitae), Labcorp
Classification: Benign for Familial adenomatous polyposis 1. Last evaluated: 2026-02-04. Review status: criteria provided, single submitter. Criteria: Invitae Variant Classification Sherloc (09022015). Collection method: clinical testing. Allele origin: germline.

Dasa
Classification: Benign. Last evaluated: 2026-01-19. Review status: criteria provided, single submitter. Criteria: DASA Assertion Criteria. Collection method: clinical testing. Allele origin: germline.
Comment: NM_000038.6(APC):c.1959G>A (p.Arg653=) is interpreted as benign based on a combination of available evidence, including population frequency, observations in unaffected individuals, in silico models suggesting no deleterious effect, and the mechanism of disease or impacted region being inconsistent with a known cause of pathogenicity. Based on the available data, this variant is classified as benign.

Center for Genomic Medicine, Rigshospitalet, Copenhagen University Hospital
Classification: Likely benign. Last evaluated: 2025-03-04. Review status: criteria provided, single submitter. Criteria: ACMG Guidelines, 2015. Collection method: clinical testing. Allele origin: germline.

Blueprint Genetics
Classification: Likely benign. Last evaluated: 2024-11-21. Review status: criteria provided, single submitter. Criteria: ACMG Guidelines, 2015. Collection method: clinical testing. Allele origin: germline.

ARUP Laboratories, Molecular Genetics and Genomics, ARUP Laboratories
Classification: Benign. Last evaluated: 2024-03-20. Review status: criteria provided, single submitter. Criteria: ARUP Molecular Germline Variant Investigation Process 2024. Collection method: clinical testing. Allele origin: germline.

Myriad Genetics, Inc.
Classification: Benign for Familial adenomatous polyposis 1. Last evaluated: 2024-03-08. Review status: criteria provided, single submitter. Criteria: Myriad Autosomal Dominant, Autosomal Recessive and X-Linked Classification Criteria (2023). Collection method: clinical testing. Allele origin: unknown.
Comment: This variant is considered benign. This variant is a silent/synonymous amino acid change and it is not expected to impact splicing.

KCCC/NGS Laboratory, Kuwait Cancer Control Center
Classification: Benign for Familial adenomatous polyposis 1. Last evaluated: 2023-07-07. Review status: criteria provided, single submitter. Criteria: ACMG Guidelines, 2015. Collection method: clinical testing. Allele origin: germline. Affected: yes.

Institute for Biomarker Research, Medical Diagnostic Laboratories, L.L.C.
Classification: Benign for Hereditary cancer-predisposing syndrome. Last evaluated: 2022-11-22. Review status: criteria provided, single submitter. Criteria: ACMG Guidelines, 2015. Collection method: clinical testing. Allele origin: germline.

Sema4
Classification: Benign for Hereditary cancer-predisposing syndrome. Last evaluated: 2021-05-02. Review status: criteria provided, single submitter. Criteria: Sema4 Curation Guidelines. Collection method: curation. Allele origin: germline.

Genetic Services Laboratory, University of Chicago
Classification: Benign. Last evaluated: 2020-02-07. Review status: criteria provided, single submitter. Criteria: ACMG Guidelines, 2015. Collection method: clinical testing. Allele origin: germline. Affected: no.

Mendelics
Classification: Likely benign for Familial adenomatous polyposis 1. Last evaluated: 2019-05-28. Review status: criteria provided, single submitter. Criteria: Mendelics Assertion Criteria 2017. Collection method: clinical testing. Allele origin: unknown.

Illumina Laboratory Services, Illumina
Classification: Benign for APC-Associated Polyposis Disorders. Last evaluated: 2018-01-12. Review status: criteria provided, single submitter. Criteria: ICSL Variant Classification Criteria 13 December 2019. Collection method: clinical testing. Allele origin: germline.
Comment: This variant was observed in the ICSL laboratory as part of a predisposition screen in an ostensibly healthy population. It had not been previously curated by ICSL or reported in the Human Gene Mutation Database (HGMD: prior to June 1st, 2018), and was therefore a candidate for classification through an automated scoring system. Utilizing variant allele frequency, disease prevalence and penetrance estimates, and inheritance mode, an automated score was calculated to assess if this variant is too frequent to cause the disease. Based on the score and internal cut-off values, a variant classified as benign is not then subjected to further curation. The score for this variant resulted in a classification of benign for this disease.

PreventionGenetics, part of Exact Sciences
Classification: Benign. Last evaluated: 2016-11-02. Review status: criteria provided, single submitter. Criteria: ACMG Guidelines, 2015. Collection method: clinical testing. Allele origin: germline.

Women's Health and Genetics/Laboratory Corporation of America, LabCorp
Classification: Benign. Last evaluated: 2016-06-20. Review status: criteria provided, single submitter. Criteria: LabCorp Variant Classification Summary - May 2015. Collection method: clinical testing. Allele origin: germline.
Comment: Variant summary: The APC c.1959G>A (p.Arg653Arg) variant involves the alteration of a conserved nucleotide one nucleotide downstream from the intron-exon boundary, resulting in a synonymous change. 4/5 splice prediction tools predict no significant impact on normal splicing. Consistent with these predictions, in vitro as well as ex vivo analysis shows that this variant does not cause abnormal splicing (Aretz_2004, Grandval_2014). This variant was found in 538/119468 control chromosomes (including 6 homozygotes), predominantly observed in the European (Finnish), subpopulation at a frequency of 0.0323708 (213/6580). This frequency is about 453 times greater than the estimated maximal expected allele frequency of a pathogenic APC variant (0.0000714), suggesting this is a benign polymorphism found primarily in the populations of European (Finnish) origin. This variant has also been reported in several FAP patients (Aretz_2004, Stekrova_2007, Grandval_2014, UMD); however, some patients also carried another deleterious variant in the same gene, strongly suggesting for the benign outcome. In addition, multiple clinical diagnostic laboratories and one reputable database have classified this variant as benign. Taken together, this variant is classified as Benign.

Color Diagnostics, LLC DBA Color Health
Classification: Benign for Hereditary cancer-predisposing syndrome. Last evaluated: 2016-03-17. Review status: criteria provided, single submitter. Criteria: ACMG Guidelines, 2015. Collection method: clinical testing. Allele origin: germline.

Genomic Diagnostic Laboratory, Division of Genomic Diagnostics, Children's Hospital of Philadelphia
Classification: Benign for Adenomatous polyposis coli. Last evaluated: 2015-10-19. Review status: criteria provided, single submitter. Criteria: DGD Variant Analysis Guidelines. Collection method: clinical testing. Allele origin: unknown.

Ambry Genetics
Classification: Benign for Hereditary cancer-predisposing syndrome. Last evaluated: 2014-12-12. Review status: criteria provided, single submitter. Criteria: Ambry Variant Classification Scheme 2023. Collection method: clinical testing. Allele origin: germline.

GeneDx
Classification: Benign. Last evaluated: 2014-01-03. Review status: criteria provided, single submitter. Criteria: GeneDx Variant Classification (06012015). Collection method: clinical testing. Allele origin: germline. Affected: yes.
Comment: This variant is considered likely benign or benign based on one or more of the following criteria: it is a conservative change, it occurs at a poorly conserved position in the protein, it is predicted to be benign by multiple in silico algorithms, and/or has population frequency not consistent with disease.

Breakthrough Genomics
Classification: Likely benign. Review status: criteria provided, single submitter. Criteria: ACMG Guidelines, 2015. Collection method: not provided. Allele origin: germline. Inheritance: Autosomal dominant inheritance. Affected: yes.

True Health Diagnostics
Classification: Likely benign for Hereditary cancer-predisposing syndrome. Last evaluated: 2017-11-10. Review status: no assertion criteria provided. Collection method: clinical testing. Allele origin: germline. Not counted in ClinVar's aggregate classification.

ITMI
No classification provided. Condition: AllHighlyPenetrant. Last evaluated: 2013-09-19. Review status: no classification provided. Collection method: reference population. Allele origin: germline. Not counted in ClinVar's aggregate classification.
Comment: Please see associated publication for description of ethnicities

Clinical Genetics, Academic Medical Center
Classification: Benign. Review status: no assertion criteria provided. Collection method: clinical testing. Allele origin: germline. Affected: yes. Study: VKGL Data-share Consensus. Not counted in ClinVar's aggregate classification.

Department of Pathology and Laboratory Medicine, Sinai Health System
Classification: Benign for Carcinoma of colon. Review status: no assertion criteria provided. Collection method: clinical testing. Allele origin: unknown. Affected: yes. Study: The Canadian Open Genetics Repository (COGR). Not counted in ClinVar's aggregate classification.

Diagnostic Laboratory, Department of Genetics, University Medical Center Groningen
Classification: Likely benign. Review status: no assertion criteria provided. Collection method: clinical testing. Allele origin: germline. Affected: yes. Study: VKGL Data-share Consensus. Not counted in ClinVar's aggregate classification.

Genome Diagnostics Laboratory, Amsterdam University Medical Center
Classification: Benign. Review status: no assertion criteria provided. Collection method: clinical testing. Allele origin: germline. Affected: yes. Study: VKGL Data-share Consensus. Not counted in ClinVar's aggregate classification.

Genome Diagnostics Laboratory, University Medical Center Utrecht
Classification: Benign. Review status: no assertion criteria provided. Collection method: clinical testing. Allele origin: germline. Affected: yes. Study: VKGL Data-share Consensus. Not counted in ClinVar's aggregate classification.

Joint Genome Diagnostic Labs from Nijmegen and Maastricht, Radboudumc and MUMC+
Classification: Likely benign. Review status: no assertion criteria provided. Collection method: clinical testing. Allele origin: germline. Affected: yes. Study: VKGL Data-share Consensus. Not counted in ClinVar's aggregate classification.

Laboratory of Diagnostic Genome Analysis, Leiden University Medical Center (LUMC)
Classification: Likely benign. Review status: no assertion criteria provided. Collection method: clinical testing. Allele origin: germline. Affected: yes. Study: VKGL Data-share Consensus. Not counted in ClinVar's aggregate classification.

Mayo Clinic Laboratories, Mayo Clinic
Classification: Benign. Review status: no assertion criteria provided. Collection method: research. Allele origin: unknown. Observed: 4 variant alleles. Not counted in ClinVar's aggregate classification.

Literature cited by the submitters: PubMed 17411426 (cited by Women's Health and Genetics/Laboratory Corporation of America, LabCorp); PubMed 15459959 (cited by Women's Health and Genetics/Laboratory Corporation of America, LabCorp); PubMed 24599579 (cited by Women's Health and Genetics/Laboratory Corporation of America, LabCorp); PubMed 24728327 (cited by ITMI).

NM_000038.6(APC):c.1959G>A (p.Arg653=)

Gene: APC (APC regulator of Wnt signaling pathway; plus strand). Cytogenetic location: 5q22.2.
Variant type: single nucleotide variant.
Coding change: c.1959G>A on transcript NM_000038.6 (MANE Select); coding-DNA position 1959, G replaced by A.
Protein change: p.Arg653=; no amino-acid change (arginine 653 retained).
Molecular consequence: synonymous variant.
Genome position (GRCh38, 1-based): chr5:112,837,553, G>A. VCF-style: chr5-112837553-G-A. GRCh37 (hg19) VCF-style: chr5-112173250-G-A.
Other names: p.R653R:AGG>AGA; CCDS4107.1:c.1959G>A; c.1959G>A, p.Arg653= (NM_001127510.3, NM_001354895.2); c.1905G>A, p.Arg635= (NM_001127511.3); c.2013G>A, p.Arg671= (NM_001354896.2); c.1989G>A, p.Arg663= (NM_001354897.2); c.1884G>A, p.Arg628= (NM_001354898.2); c.1875G>A, p.Arg625= (NM_001354899.2); and 7 more.
Identifiers: ClinVar variation 133524 (VCV000133524.88), dbSNP rs72541809, ClinGen allele CA006874.
Genomic context (GRCh38, chr5:112,837,553, plus strand): 5'-TTTGTTGTTACTGCATACACATTGTGACCTTAATTTTGTGATCTCTTGATTTTATTTCAG[G>A]CAAATCCTAAGAGAGAACAACTGTCTACAAACTTTATTACAACACTTAAAATCTCATAGT-3'
Protein context (NP_000029.2, residues 643-663): SSLIATNEDH[Arg653=]QILRENNCLQ